The following is an entry in ClinVar:

NM_001195263.2(PDZD7):c.2144C>T (p.Pro715Leu)

Gene: PDZD7 (PDZ domain containing 7; minus strand). Cytogenetic location: 10q24.31.
Variant type: single nucleotide variant.
Coding change: c.2144C>T on transcript NM_001195263.2 (MANE Select); coding-DNA position 2144, C replaced by T.
Protein change: p.Pro715Leu; replaces proline 715 with leucine.
Molecular consequence: missense variant.
Genome position (GRCh38, 1-based): chr10:101,010,745, G>A on the plus strand (C>T on the coding strand, the complement: PDZD7 is on the minus strand). VCF-style: chr10-101010745-G-A. GRCh37 (hg19) VCF-style: chr10-102770502-G-A.
Other names: short protein forms P715L.
Identifiers: ClinVar variation 44123 (VCV000044123.49), dbSNP rs143414291, ClinGen allele CA133625.

ClinVar aggregate classification (germline): Benign/Likely benign. Review status: criteria provided, multiple submitters, no conflicts (2 of 4 stars). 10 submissions from 10 submitters: Benign (4); Likely benign (4). 2 of the submissions do not count toward it. Last evaluated 2026-06-01.

Allele frequency attached by ClinVar (database versions not stated): ExAC 0.00658; gnomAD exomes 0.00750; TOPMed 0.00798; gnomAD 0.00754; 1000 Genomes Project 0.00599.

Submissions (10):

CeGaT Center for Human Genetics Tuebingen
Classification: Likely benign. Last evaluated: 2026-06-01. Review status: criteria provided, single submitter. Criteria: CeGaT Center For Human Genetics Tuebingen Variant Classification Criteria Version 2. Collection method: clinical testing. Allele origin: germline. Affected: yes. Observed: 12 variant alleles.
Comment: PDZD7: BP4, BS1

Labcorp Genetics (formerly Invitae), Labcorp
Classification: Benign. Last evaluated: 2026-01-25. Review status: criteria provided, single submitter. Criteria: Invitae Variant Classification Sherloc (09022015). Collection method: clinical testing. Allele origin: germline.

Blueprint Genetics
Classification: Likely benign. Last evaluated: 2024-11-27. Review status: criteria provided, single submitter. Criteria: ACMG Guidelines, 2015. Collection method: clinical testing. Allele origin: germline.

GeneDx
Classification: Benign. Last evaluated: 2019-11-20. Review status: criteria provided, single submitter. Criteria: GeneDx Variant Classification Process June 2021. Collection method: clinical testing. Allele origin: germline. Affected: yes.
Comment: This variant is associated with the following publications: (PMID: 24498627)

Athena Diagnostics
Classification: Likely benign. Last evaluated: 2018-08-31. Review status: criteria provided, single submitter. Criteria: Athena Diagnostics Criteria. Collection method: clinical testing. Allele origin: germline.

Laboratory for Molecular Medicine, Mass General Brigham Personalized Medicine
Classification: Benign. Last evaluated: 2018-01-25. Review status: criteria provided, single submitter. Criteria: LMM Criteria. Collection method: clinical testing. Allele origin: germline. Observed: 12 variant alleles.
Comment: p.Pro715Leu in exon 15 of PDZD7: This variant is not expected to have clinical s ignificance because it has been identified in 4.3% (10/230) of Hispanic chromoso mes from the 1000 Genomes project (000genomes; rs143414291).

Eurofins Ntd Llc (ga)
Classification: Benign. Last evaluated: 2015-01-23. Review status: criteria provided, single submitter. Criteria: EGL Classification Definitions 2015. Collection method: clinical testing. Allele origin: germline. Observed: 1 variant allele, 1 heterozygote.

Breakthrough Genomics
Classification: Likely benign. Review status: criteria provided, single submitter. Criteria: ACMG Guidelines, 2015. Collection method: not provided. Allele origin: germline. Inheritance: Autosomal recessive inheritance. Affected: yes.

Clinical Genetics DNA and cytogenetics Diagnostics Lab, Erasmus MC, Erasmus Medical Center
Classification: Likely benign. Review status: no assertion criteria provided. Collection method: clinical testing. Allele origin: germline. Affected: yes. Study: VKGL Data-share Consensus. Not counted in ClinVar's aggregate classification.

Clinical Genetics, Academic Medical Center
Classification: Benign. Review status: no assertion criteria provided. Collection method: clinical testing. Allele origin: germline. Affected: yes. Study: VKGL Data-share Consensus. Not counted in ClinVar's aggregate classification.

Literature cited by the submitters: PubMed 24498627 (cited by Athena Diagnostics).